The following is an entry in ClinVar:

ClinVar aggregate classification (germline): Uncertain significance. Review status: criteria provided, multiple submitters, no conflicts (2 of 4 stars). 2 submissions from 2 submitters: Uncertain significance (2). Last evaluated 2024-11-20.

Conditions:
Neurodevelopmental disorder with or without variable brain abnormalities; NEDBA. Also called: NEURODEVELOPMENTAL DISORDER WITH OR WITHOUT VARIABLE BRAIN ABNORMALITIES. Identifiers: MedGen C5193102, MONDO:0032755, OMIM 618443.

gnomAD v4.1: 13 of 1,557,464 alleles (0.00083%); highest among the groups gnomAD compares: African/African-American, 0.0084%; no homozygotes.

Submissions (2):

Women's Health and Genetics/Laboratory Corporation of America, LabCorp
Classification: Uncertain significance. Last evaluated: 2024-11-20. Review status: criteria provided, single submitter. Criteria: LabCorp Variant Classification Summary - May 2015. Collection method: clinical testing. Allele origin: germline.
Comment: Variant summary: MAPK8IP3 c.611G>A (p.Arg204His) results in a non-conservative amino acid change in the encoded protein sequence. Three of five in-silico tools predict a damaging effect of the variant on protein function. The variant allele was found at a frequency of 1e-05 in 194316 control chromosomes. The available data on variant occurrences in the general population are insufficient to allow any conclusion about variant significance. To our knowledge, no occurrence of c.611G>A in individuals affected with Neurodevelopmental Disorder With Or Without Variable Brain Abnormalities; NEDBA and no experimental evidence demonstrating its impact on protein function have been reported. No submitters have cited clinical-significance assessments for this variant to ClinVar. Based on the evidence outlined above, the variant was classified as uncertain significance.

Revvity Omics, Revvity
Classification: Uncertain significance for Neurodevelopmental disorder with or without variable brain abnormalities; NEDBA. Last evaluated: 2024-06-20. Review status: criteria provided, single submitter. Criteria: ACMG Guidelines, 2015. Collection method: clinical testing. Allele origin: germline.

NM_001318852.2(MAPK8IP3):c.614G>A (p.Arg205His)

Gene: MAPK8IP3 (mitogen-activated protein kinase 8 interacting protein 3; plus strand). Cytogenetic location: 16p13.3.
Variant type: single nucleotide variant.
Coding change: c.614G>A on transcript NM_001318852.2 (MANE Select); coding-DNA position 614, G replaced by A.
Protein change: p.Arg205His; replaces arginine 205 with histidine.
Molecular consequence: missense variant.
Genome position (GRCh38, 1-based): chr16:1,743,343, G>A. VCF-style: chr16-1743343-G-A. GRCh37 (hg19) VCF-style: chr16-1793344-G-A.
Other names: c.611G>A, p.Arg204His (NM_001040439.2, NM_015133.5); short protein forms R204H, R205H.
Identifiers: ClinVar variation 3629960 (VCV003629960.2).
Genomic context (GRCh38, chr16:1,743,343, plus strand): 5'-ACGGCCACCCTCTAACCATCGCTTCCTCTCCTCTCGCCCCCCATTTCAGCAGGAAGGAGC[G>A]CCCCACCTCCCTGAACGTGTTCCCCCTGGCTGACGGCACGGTACGTGCACAGATCGGGGG-3'
Protein context (NP_001305781.1, residues 195-215): SSLPGRSRKE[Arg205His]PTSLNVFPLA